The following is an entry in ClinVar:

NC_000013.10:g.(?_103498198)_(103498724_?)del

Genes: BIVM-ERCC5 (BIVM-ERCC5 readthrough; plus strand), ERCC5 (ERCC excision repair 5, endonuclease; plus strand). Cytogenetic location: 13q33.1.
Variant type: Deletion.
Identifiers: ClinVar variation 2422383 (VCV002422383.4).

ClinVar aggregate classification (germline): Pathogenic (1 of 4 stars; one submission).

Submission:

Labcorp Genetics (formerly Invitae), Labcorp
Classification: Pathogenic. Last evaluated: 2022-10-12. Review status: criteria provided, single submitter. Criteria: Invitae Variant Classification Sherloc (09022015). Collection method: clinical testing. Allele origin: germline.
Comment: For these reasons, this variant has been classified as Pathogenic. This variant has not been reported in the literature in individuals affected with ERCC5-related conditions. This variant is a gross deletion of the genomic region encompassing exon(s) 1 of the ERCC5 gene, which includes the initiator codon. This deletion extends beyond the assayed region for this gene and therefore may encompass additional genes. It is expected to result in an absent or disrupted protein product. Loss-of-function variants in ERCC5 are known to be pathogenic (PMID: 11841555, 12060391, 23370536, 24700531).

Literature cited by the submitters: PubMed 11841555; PubMed 12060391; PubMed 23370536; PubMed 24700531.